The following is an entry in ClinVar:

NM_006231.4(POLE):c.5638G>T (p.Val1880Leu)

Gene: POLE (DNA polymerase epsilon, catalytic subunit; minus strand). Cytogenetic location: 12q24.33.
Variant type: single nucleotide variant.
Coding change: c.5638G>T on transcript NM_006231.4 (MANE Select); coding-DNA position 5638, G replaced by T.
Protein change: p.Val1880Leu; replaces valine 1880 with leucine.
Molecular consequence: missense variant.
Genome position (GRCh38, 1-based): chr12:132,638,054, C>A on the plus strand (G>T on the coding strand, the complement: POLE is on the minus strand). VCF-style: chr12-132638054-C-A. GRCh37 (hg19) VCF-style: chr12-133214640-C-A.
Other names: c.5638G>T (NM_006231.2); short protein forms V1880L.
Identifiers: ClinVar variation 644079 (VCV000644079.11), dbSNP rs1593719616, ClinGen allele CA387374027.
Genomic context (GRCh38, chr12:132,638,054, plus strand): 5'-CCAGGACCAGCCAGCCGCACCTGCTGGTGATGTACTCCACGTAAGCGATGGCATCTTCCA[C>A]ACGGCGCTTCTTTGTACAGAGGATGATGCGGTTGAAGTTGGCGTAGATGACTGATGACCC-3'
Protein context (NP_006222.2, residues 1870-1890): RIILCTKKRR[Val1880Leu]EDAIAYVEYI

ClinVar aggregate classification (germline): Uncertain significance. Review status: criteria provided, multiple submitters, no conflicts (2 of 4 stars). 2 submissions from 2 submitters: Uncertain significance (2). Last evaluated 2026-03-23.

Conditions:
Hereditary cancer-predisposing syndrome. Also called: Tumor predisposition; Hereditary Cancer Syndrome; Neoplastic Syndromes, Hereditary; Hereditary neoplastic syndrome. Identifiers: Orphanet 140162, MedGen C0027672, MeSH D009386, MONDO:0015356.

Submissions (2):

Ambry Genetics
Classification: Uncertain significance for Hereditary cancer-predisposing syndrome. Last evaluated: 2026-03-23. Review status: criteria provided, single submitter. Criteria: Ambry Variant Classification Scheme 2023. Collection method: clinical testing. Allele origin: germline.
Comment: The p.V1880L variant (also known as c.5638G>T), located in coding exon 41 of the POLE gene, results from a G to T substitution at nucleotide position 5638. The valine at codon 1880 is replaced by leucine, an amino acid with highly similar properties. This amino acid position is conserved. In addition, this alteration is predicted to be tolerated by in silico analysis. Based on the available evidence, the clinical significance of this variant remains unclear.

Labcorp Genetics (formerly Invitae), Labcorp
Classification: Uncertain significance. Last evaluated: 2019-09-30. Review status: criteria provided, single submitter. Criteria: Invitae Variant Classification Sherloc (09022015). Collection method: clinical testing. Allele origin: germline.
Comment: In summary, the available evidence is currently insufficient to determine the role of this variant in disease. Therefore, it has been classified as a Variant of Uncertain Significance. Algorithms developed to predict the effect of missense changes on protein structure and function (SIFT, PolyPhen-2, Align-GVGD) all suggest that this variant is likely to be tolerated, but these predictions have not been confirmed by published functional studies and their clinical significance is uncertain. This variant has not been reported in the literature in individuals with POLE-related disease. This variant is not present in population databases (ExAC no frequency). This sequence change replaces valine with leucine at codon 1880 of the POLE protein (p.Val1880Leu). The valine residue is weakly conserved and there is a small physicochemical difference between valine and leucine.